The following is an entry in ClinVar:

NM_002334.4(LRP4):c.5498G>T (p.Arg1833Leu)

Genes: LRP4-AS1 (LRP4 antisense RNA 1; plus strand), LRP4 (LDL receptor related protein 4; minus strand). Cytogenetic location: 11p11.2.
Variant type: single nucleotide variant.
Coding change: c.5498G>T on transcript NM_002334.4 (MANE Select); coding-DNA position 5498, G replaced by T.
Protein change: p.Arg1833Leu; replaces arginine 1833 with leucine.
Molecular consequence: missense variant.
Genome position (GRCh38, 1-based): chr11:46,859,203, C>A on the plus strand (G>T on the coding strand, the complement: LRP4 is on the minus strand). VCF-style: chr11-46859203-C-A. GRCh37 (hg19) VCF-style: chr11-46880754-C-A.
Other names: short protein forms R1833L.
Identifiers: ClinVar variation 2165758 (VCV002165758.2), dbSNP rs771256759, ClinGen allele CA380284118.

ClinVar aggregate classification (germline): Uncertain significance (1 of 4 stars; one submission).

Conditions:
Congenital myasthenic syndrome 17. Identifiers: Orphanet 590, MedGen C4225377, MONDO:0014578, OMIM 616304.
Sclerosteosis 2 (SOST2). Identifiers: Orphanet 3152, MedGen C3280402, MONDO:0013679, OMIM 614305.
Cenani-Lenz syndactyly syndrome. Also called: SYNDACTYLY, TYPE VII; CENANI SYNDACTYLISM. Identifiers: Orphanet 3258, MedGen C1859309, MONDO:0008931, OMIM 212780.

gnomAD v4.1: 10 of 1,614,168 alleles (0.00062%); highest among the groups gnomAD compares: Admixed American, 0.0017%; no homozygotes.

Submission:

Labcorp Genetics (formerly Invitae), Labcorp
Classification: Uncertain significance for Cenani-Lenz syndactyly syndrome; Sclerosteosis 2; Congenital myasthenic syndrome 17. Last evaluated: 2022-08-07. Review status: criteria provided, single submitter. Criteria: Invitae Variant Classification Sherloc (09022015). Collection method: clinical testing. Allele origin: germline.
Comment: In summary, the available evidence is currently insufficient to determine the role of this variant in disease. Therefore, it has been classified as a Variant of Uncertain Significance. Algorithms developed to predict the effect of missense changes on protein structure and function are either unavailable or do not agree on the potential impact of this missense change (SIFT: "Deleterious"; PolyPhen-2: "Probably Damaging"; Align-GVGD: "Class C0"). This variant has not been reported in the literature in individuals affected with LRP4-related conditions. This variant is not present in population databases (gnomAD no frequency). This sequence change replaces arginine, which is basic and polar, with leucine, which is neutral and non-polar, at codon 1833 of the LRP4 protein (p.Arg1833Leu).